The following is an entry in ClinVar:

ClinVar aggregate classification (germline): Conflicting classifications of pathogenicity. Review status: criteria provided, conflicting classifications (1 of 4 stars). 6 submissions from 6 submitters: Uncertain significance (1); Benign (2); Likely benign (1). 2 of the submissions do not count toward it. Last evaluated 2026-01-25.

Conditions:
Congenital stationary night blindness 1E. Also called: Night blindness, congenital stationary (complete), 1E, autosomal recessive. Identifiers: Orphanet 215, MedGen C3281215, MONDO:0013807, OMIM 614565.

Allele frequency attached by ClinVar (database versions not stated): 1000 Genomes Project 0.00040; 1000 Genomes Project 30x 0.00047; gnomAD exomes 0.00309 and 0.00239; TOPMed 0.00135; ESP Exome Variant Server 0.00158; gnomAD 0.00216 and 0.00228; ExAC 0.00291.
gnomAD v4.1: 3,810 of 1,613,434 alleles (0.24%); highest among the groups gnomAD compares: Non-Finnish European, 0.23%; 18 homozygotes.

Submissions (6):

Labcorp Genetics (formerly Invitae), Labcorp
Classification: Benign. Last evaluated: 2026-01-25. Review status: criteria provided, single submitter. Criteria: Invitae Variant Classification Sherloc (09022015). Collection method: clinical testing. Allele origin: germline.

CeGaT Center for Human Genetics Tuebingen
Classification: Benign. Last evaluated: 2022-07-01. Review status: criteria provided, single submitter. Criteria: CeGaT Center For Human Genetics Tuebingen Variant Classification Criteria Version 2. Collection method: clinical testing. Allele origin: germline. Affected: yes. Observed: 1 variant allele.
Comment: GPR179: BP4, BS1, BS2

Illumina Laboratory Services, Illumina
Classification: Likely benign for Congenital stationary night blindness 1E. Last evaluated: 2018-01-13. Review status: criteria provided, single submitter. Criteria: ICSL Variant Classification Criteria 13 December 2019. Collection method: clinical testing. Allele origin: germline.
Comment: This variant was observed in the ICSL laboratory as part of a predisposition screen in an ostensibly healthy population. It had not been previously curated by ICSL or reported in the Human Gene Mutation Database (HGMD: prior to June 1st, 2018), and was therefore a candidate for classification through an automated scoring system. Utilizing variant allele frequency, disease prevalence and penetrance estimates, and inheritance mode, an automated score was calculated to assess if this variant is too frequent to cause the disease. Based on the score and internal cut-off values, a variant classified as likely benign is not then subjected to further curation. The score for this variant resulted in a classification of likely benign for this disease.

GeneDx
Classification: Uncertain significance. Last evaluated: 2017-06-30. Review status: criteria provided, single submitter. Criteria: GeneDx Variant Classification (06012015). Collection method: clinical testing. Allele origin: germline. Affected: yes.
Comment: The R1436W variant in the GPR179 gene has not been reported previously as a pathogenic variant, nor as a benign variant, to our knowledge. The R1436W variant is observed in 69/6614 (1.0%) alleles from individuals of Finnish background and in 259/66668 (0.4%) alleles from individuals of non-Finnish European background including 2 homozygous individuals, in the ExAC dataset (Lek et al., 2016). The R1436W variant is a non-conservative amino acid substitution, which is likely to impact secondary protein structure as these residues differ in polarity, charge, size and/or other properties. This substitution occurs at a position that is not conserved. In silico analysis predicts this variant is probably damaging to the protein structure/function. We interpret R1436W as a variant of uncertain significance.

Clinical Genetics DNA and cytogenetics Diagnostics Lab, Erasmus MC, Erasmus Medical Center
Classification: Likely benign. Review status: no assertion criteria provided. Collection method: clinical testing. Allele origin: germline. Affected: yes. Study: VKGL Data-share Consensus. Not counted in ClinVar's aggregate classification.

Clinical Genetics, Academic Medical Center
Classification: Benign. Review status: no assertion criteria provided. Collection method: clinical testing. Allele origin: germline. Affected: yes. Study: VKGL Data-share Consensus. Not counted in ClinVar's aggregate classification.

NM_001004334.4(GPR179):c.4306C>T (p.Arg1436Trp)

Gene: GPR179 (G protein-coupled receptor 179; minus strand). Cytogenetic location: 17q12.
Variant type: single nucleotide variant.
Coding change: c.4306C>T on transcript NM_001004334.4 (MANE Select); coding-DNA position 4306, C replaced by T.
Protein change: p.Arg1436Trp; replaces arginine 1436 with tryptophan.
Molecular consequence: missense variant.
Genome position (GRCh38, 1-based): chr17:38,329,263, G>A on the plus strand (C>T on the coding strand, the complement: GPR179 is on the minus strand). VCF-style: chr17-38329263-G-A. GRCh37 (hg19) VCF-style: chr17-36485146-G-A.
Other names: short protein forms R1436W.
Identifiers: ClinVar variation 322986 (VCV000322986.41), dbSNP rs147966258, ClinGen allele CA10645561.